The following is an entry in ClinVar:

ClinVar aggregate classification (germline): Uncertain significance. Review status: criteria provided, multiple submitters, no conflicts (2 of 4 stars). 2 submissions from 2 submitters: Uncertain significance (2). Last evaluated 2025-08-26.

Allele frequency attached by ClinVar (database versions not stated): gnomAD exomes below 0.00001.
gnomAD v4.1: 12 of 1,613,084 alleles (0.00074%); highest among the groups gnomAD compares: Admixed American, 0.0033%; no homozygotes.

Submissions (2):

Ambry Genetics
Classification: Uncertain significance. Last evaluated: 2025-08-26. Review status: criteria provided, single submitter. Criteria: Ambry Variant Classification Scheme 2023. Collection method: clinical testing. Allele origin: germline.

Labcorp Genetics (formerly Invitae), Labcorp
Classification: Uncertain significance. Last evaluated: 2025-06-23. Review status: criteria provided, single submitter. Criteria: Invitae Variant Classification Sherloc (09022015). Collection method: clinical testing. Allele origin: germline.
Comment: This sequence change replaces arginine, which is basic and polar, with tryptophan, which is neutral and slightly polar, at codon 3098 of the HMCN1 protein (p.Arg3098Trp). This variant is present in population databases (no rsID available, gnomAD 0.0009%). This variant has not been reported in the literature in individuals affected with HMCN1-related conditions. ClinVar contains an entry for this variant (Variation ID: 1368036). An algorithm developed to predict the effect of missense changes on protein structure and function (PolyPhen-2) suggests that this variant is likely to be disruptive. Algorithms developed to predict the effect of sequence changes on RNA splicing suggest that this variant may disrupt the consensus splice site. In summary, the available evidence is currently insufficient to determine the role of this variant in disease. Therefore, it has been classified as a Variant of Uncertain Significance.

NM_031935.3(HMCN1):c.9292C>T (p.Arg3098Trp)

Gene: HMCN1 (hemicentin 1; plus strand). Cytogenetic location: 1q31.1.
Variant type: single nucleotide variant.
Coding change: c.9292C>T on transcript NM_031935.3 (MANE Select); coding-DNA position 9292, C replaced by T.
Protein change: p.Arg3098Trp; replaces arginine 3098 with tryptophan.
Molecular consequence: missense variant.
Genome position (GRCh38, 1-based): chr1:186,087,574, C>T. VCF-style: chr1-186087574-C-T. GRCh37 (hg19) VCF-style: chr1-186056706-C-T.
Other names: c.9292C>T (NM_031935.2); short protein forms R3098W.
Identifiers: ClinVar variation 1368036 (VCV001368036.7), dbSNP rs1002862471, ClinGen allele CA33477809.